The following is an entry in ClinVar:

NM_001256715.2(DNAAF3):c.85+3G>C

Genes: DNAAF3 (dynein axonemal assembly factor 3; minus strand), DNAAF3-AS1 (DNAAF3 antisense RNA 1; plus strand). Cytogenetic location: 19q13.42.
Variant type: single nucleotide variant.
Coding change: c.85+3G>C on transcript NM_001256715.2 (MANE Select); 3 bases into the intron after coding-DNA position 85, G replaced by C.
Molecular consequence: intron variant.
Genome position (GRCh38, 1-based): chr19:55,166,326, C>G on the plus strand (G>C on the coding strand, the complement: DNAAF3 is on the minus strand). VCF-style: chr19-55166326-C-G. GRCh37 (hg19) VCF-style: chr19-55677694-C-G.
Other names: c.226+3G>C (NM_178837.4, NM_001256714.1); c.-154+3G>C (NM_001256716.2).
Identifiers: ClinVar variation 2417904 (VCV002417904.13), dbSNP rs1241133548, ClinGen allele CA2550745180.

ClinVar aggregate classification (germline): Uncertain significance (1 of 4 stars; one submission).

Conditions:
Primary ciliary dyskinesia. Also called: Ciliary dyskinesia. Identifiers: Orphanet 244, MedGen C0008780, MONDO:0016575, HP:0012265.

gnomAD v4.1: 3 of 1,613,200 alleles (0.00019%); highest among the groups gnomAD compares: Admixed American, 0.005%; no homozygotes.

Submission:

Labcorp Genetics (formerly Invitae), Labcorp
Classification: Uncertain significance for Primary ciliary dyskinesia. Last evaluated: 2022-04-12. Review status: criteria provided, single submitter. Criteria: Invitae Variant Classification Sherloc (09022015). Collection method: clinical testing. Allele origin: germline.
Comment: Variants that disrupt the consensus splice site are a relatively common cause of aberrant splicing (PMID: 17576681, 9536098). Algorithms developed to predict the effect of sequence changes on RNA splicing suggest that this variant may disrupt the consensus splice site. In summary, the available evidence is currently insufficient to determine the role of this variant in disease. Therefore, it has been classified as a Variant of Uncertain Significance. This variant has not been reported in the literature in individuals affected with DNAAF3-related conditions. This variant is not present in population databases (gnomAD no frequency). This sequence change falls in intron 2 of the DNAAF3 gene. It does not directly change the encoded amino acid sequence of the DNAAF3 protein. It affects a nucleotide within the consensus splice site.

Literature cited by the submitters: PubMed 17576681; PubMed 9536098.